The following is an entry in ClinVar:

NM_000032.5(ALAS2):c.304+2T>C

Genes: ALAS2 (5'-aminolevulinate synthase 2; minus strand), LOC108663984 (ALAS2 intron 1 and 3 erythroid regulatory elements; plus strand). Cytogenetic location: Xp11.21.
Variant type: single nucleotide variant.
Coding change: c.304+2T>C on transcript NM_000032.5 (MANE Select); the canonical splice donor site of the intron after coding-DNA position 304, T replaced by C.
Molecular consequence: splice donor variant.
Genome position (GRCh38, 1-based): chrX:55,024,716, A>G on the plus strand (T>C on the coding strand, the complement: ALAS2 is on the minus strand). VCF-style: chrX-55024716-A-G. GRCh37 (hg19) VCF-style: chrX-55051149-A-G.
Other names: c.304+2T>C (NM_001037967.4); c.376+2T>C (NM_001037968.4).
Identifiers: ClinVar variation 3341449 (VCV003341449.1).
Genomic context (GRCh38, chrX:55,024,716, plus strand): 5'-TGTGACGTAGTGTGTTCAAGCATTAGGAGTAAAGGTTGCATAAGGTGGAACTTGACTCCA[A>G]CCTGTCTTGAAAGCCTTCACATCTTCCTGGACTTCTGGGGCTGCCTTCTGCACAATCTTG-3'

ClinVar aggregate classification (germline): Likely pathogenic (1 of 4 stars; one submission).

Conditions:
X-linked erythropoietic protoporphyria. Also called: X-Linked Protoporphyria; ERYTHROHEPATIC PROTOPORPHYRIA, X-LINKED; Erythropoietic Protoporphyria, X-Linked Dominant. Identifiers: Orphanet 443197, MedGen C2677889, MONDO:0010420, OMIM 300752.

Submission:

Neuberg Centre For Genomic Medicine, NCGM
Classification: Likely pathogenic for X-linked erythropoietic protoporphyria. Last evaluated: 2023-05-20. Review status: criteria provided, single submitter. Criteria: ACMG Guidelines, 2015. Collection method: clinical testing. Allele origin: germline. Inheritance: X-linked inheritance. Affected: yes.
Comment: The invariant splice donor c.304+2T>C variant in ALAS2 gene has not been reported previously as a pathogenic variant nor as a benign variant, to our knowledge. The observed variant is absent in gnomAD exomes database. This variant has not been submitted to the ClinVar database. SpliceAI value predicts 0.9800 score for this variant. Loss of function variants have been previously reported to be disease causing. For these reasons, this variant has been classified as Likely Pathogenic.